The following is an entry in ClinVar:

NM_153700.2(STRC):c.875+4del

Gene: STRC (stereocilin; minus strand). Cytogenetic location: 15q15.3.
Variant type: Deletion.
Coding change: c.875+4del on transcript NM_153700.2 (MANE Select); 4 bases into the intron after coding-DNA position 875, one base deleted (A; older notation c.875+4delA).
Molecular consequence: intron variant.
Genome position (GRCh38, 1-based): chr15:43,617,454, T deleted on the plus strand (A on the coding strand, the reverse complement: STRC is on the minus strand); the first of 2 consecutive T bases (chr15:43,617,454-43,617,455); deleting either gives the same sequence. VCF-style (leftmost placement, unchanged base first): chr15-43617453-CT-C. GRCh37 (hg19) VCF-style: chr15-43909651-CT-C.
Other names: c.875+4delA (NM_153700.2).
Identifiers: ClinVar variation 4997207 (VCV004997207.1).

ClinVar aggregate classification (germline): Uncertain significance (1 of 4 stars; one submission).

Conditions:
STRC-related disorder. Also called: STRC-related condition.

Submission:

PreventionGenetics, part of Exact Sciences
Classification: Uncertain significance for STRC-related condition. Last evaluated: 2025-02-10. Review status: criteria provided, single submitter. Criteria: ACMG Guidelines, 2015. Collection method: clinical testing. Allele origin: germline.
Comment: The STRC c.875+4delA variant is predicted to result in an intronic deletion. This variant is predicted to decrease the strength of the canonical splice donor site (SpliceAI, Jaganathan et al. 2019. PubMed ID: 30661751). To our knowledge, this variant has not been reported in the literature or in a large population database (gnomAD), indicating this variant is rare. At this time, the clinical significance of this variant is uncertain due to the absence of conclusive functional and genetic evidence.